The following is an entry in ClinVar:

ClinVar aggregate classification (germline): Conflicting classifications of pathogenicity. Review status: criteria provided, conflicting classifications (1 of 4 stars). 3 submissions from 3 submitters: Uncertain significance (2); Likely benign (1). Last evaluated 2025-01-06.

Conditions:
Cardiomyopathy (CMYO). Also called: Cardiomyopathies. Identifiers: Orphanet 167848, MedGen C0878544, MONDO:0004994, HP:0001638. Inheritance: Various modes of inheritance.
Cardiovascular phenotype. Identifiers: MedGen CN230736.
Arrhythmogenic right ventricular dysplasia 11. Also called: Arrhythmogenic right ventricular dysplasia 11 with mild palmoplantar keratoderma and woolly hair; Arrhythmogenic Right Ventricular Dysplasia/Cardiomyopathy11; ARRHYTHMOGENIC RIGHT VENTRICULAR DYSPLASIA, FAMILIAL, 11. Identifiers: MedGen C1864850, MONDO:0012506, OMIM 610476.

Allele frequency attached by ClinVar (database versions not stated): TOPMed 0.00001.
gnomAD v4.1: 1 of 1,614,130 alleles (0.000062%); highest among the groups gnomAD compares: Non-Finnish European, 0.000085%; no homozygotes.

Submissions (3):

Ambry Genetics
Classification: Likely benign for Cardiovascular phenotype. Last evaluated: 2025-01-06. Review status: criteria provided, single submitter. Criteria: Ambry Variant Classification Scheme 2023. Collection method: clinical testing. Allele origin: germline.

Labcorp Genetics (formerly Invitae), Labcorp
Classification: Uncertain significance for Arrhythmogenic right ventricular dysplasia 11. Last evaluated: 2024-03-11. Review status: criteria provided, single submitter. Criteria: Invitae Variant Classification Sherloc (09022015). Collection method: clinical testing. Allele origin: germline.
Comment: This sequence change replaces valine, which is neutral and non-polar, with methionine, which is neutral and non-polar, at codon 787 of the DSC2 protein (p.Val787Met). This variant is not present in population databases (gnomAD no frequency). This variant has not been reported in the literature in individuals affected with DSC2-related conditions. ClinVar contains an entry for this variant (Variation ID: 1424090). Advanced modeling of protein sequence and biophysical properties (such as structural, functional, and spatial information, amino acid conservation, physicochemical variation, residue mobility, and thermodynamic stability) performed at Invitae indicates that this missense variant is not expected to disrupt DSC2 protein function with a negative predictive value of 80%. In summary, the available evidence is currently insufficient to determine the role of this variant in disease. Therefore, it has been classified as a Variant of Uncertain Significance.

Color Diagnostics, LLC DBA Color Health
Classification: Uncertain significance for Cardiomyopathy. Last evaluated: 2022-11-16. Review status: criteria provided, single submitter. Criteria: ACMG Guidelines, 2015. Collection method: clinical testing. Allele origin: germline.
Comment: This missense variant replaces valine with methionine at codon 787 of the DSC2 protein. Computational prediction suggests that this variant may not impact protein structure and function (internally defined REVEL score threshold <= 0.5, PMID: 27666373). To our knowledge, functional studies have not been reported for this variant. This variant has not been reported in individuals affected with DSC2-related disorders in the literature. This variant has not been identified in the general population by the Genome Aggregation Database (gnomAD). The available evidence is insufficient to determine the role of this variant in disease conclusively. Therefore, this variant is classified as a Variant of Uncertain Significance.

NM_024422.6(DSC2):c.2359G>A (p.Val787Met)

Gene: DSC2 (desmocollin 2; minus strand). Cytogenetic location: 18q12.1.
Variant type: single nucleotide variant.
Coding change: c.2359G>A on transcript NM_024422.6 (MANE Select); coding-DNA position 2359, G replaced by A.
Protein change: p.Val787Met; replaces valine 787 with methionine.
Molecular consequence: missense variant.
Genome position (GRCh38, 1-based): chr18:31,069,043, C>T on the plus strand (G>A on the coding strand, the complement: DSC2 is on the minus strand). VCF-style: chr18-31069043-C-T. GRCh37 (hg19) VCF-style: chr18-28649009-C-T.
Other names: c.2359G>A, p.Val787Met (NM_004949.5); short protein forms V787M.
Identifiers: ClinVar variation 1424090 (VCV001424090.13), dbSNP rs1789053, ClinGen allele CA297686385.